The following is an entry in ClinVar:

NM_000218.3(KCNQ1):c.1637C>T (p.Ser546Leu)

Gene: KCNQ1 (potassium voltage-gated channel subfamily Q member 1; plus strand). Cytogenetic location: 11p15.5.
Variant type: single nucleotide variant.
Coding change: c.1637C>T on transcript NM_000218.3 (MANE Select); coding-DNA position 1637, C replaced by T.
Protein change: p.Ser546Leu; replaces serine 546 with leucine.
Molecular consequence: missense variant.
Genome position (GRCh38, 1-based): chr11:2,776,006, C>T. VCF-style: chr11-2776006-C-T. GRCh37 (hg19) VCF-style: chr11-2797236-C-T.
Other names: p.S546L:TCG>TTG; c.1637C>T (LRG_287t1); c.1541C>T, p.Ser514Leu (NM_001406836.1); c.1367C>T, p.Ser456Leu (NM_001406837.1); c.1097C>T, p.Ser366Leu (NM_001406838.1); c.1256C>T, p.Ser419Leu (NM_181798.2); short protein forms S546L, S419L, S456L, S514L, S366L.
Identifiers: ClinVar variation 53000 (VCV000053000.29), dbSNP rs199473480, ClinGen allele CA006028.

ClinVar aggregate classification (germline): Pathogenic. Review status: criteria provided, multiple submitters, no conflicts (2 of 4 stars). 11 submissions from 11 submitters: Pathogenic (10). 1 of the submissions does not count toward it. Last evaluated 2025-12-20.

Conditions:
Cardiac arrhythmia. Also called: Arrhythmia; Cardiac rhythm disease. Identifiers: MedGen C0003811, MONDO:0007263, HP:0011675.
Cardiovascular phenotype. Identifiers: MedGen CN230736.
KCNQ1-related disorder. Also called: KCNQ1-related condition; KCNQ1-related disorders. Identifiers: MedGen CN239322.
Familial long QT syndrome (RWS). Also called: Congenital long QT syndrome; Romano-Ward syndrome; VENTRICULAR FIBRILLATION WITH PROLONGED QT INTERVAL. Identifiers: Orphanet 768, MedGen C1141890, MONDO:0019171.
Long QT syndrome (LQTS). Identifiers: MedGen C0023976, MeSH D008133, MONDO:0002442. Disease mechanism: loss of function. Inheritance: Various modes of inheritance.
Long QT syndrome 1 (LQT1). Identifiers: Orphanet 101016, Orphanet 768, MedGen C4551647, MONDO:0100316, OMIM 192500, MONDO:0008646.

Allele frequency attached by ClinVar (database versions not stated): gnomAD exomes below 0.00001.
gnomAD v4.1: 5 of 1,573,990 alleles (0.00032%); highest among the groups gnomAD compares: Non-Finnish European, 0.00043%; no homozygotes.

Submissions 1 to 8 of 11:

Labcorp Genetics (formerly Invitae), Labcorp
Classification: Pathogenic for Long QT syndrome. Last evaluated: 2025-12-20. Review status: criteria provided, single submitter. Criteria: Invitae Variant Classification Sherloc (09022015). Collection method: clinical testing. Allele origin: germline.
Comment: This sequence change replaces serine, which is neutral and polar, with leucine, which is neutral and non-polar, at codon 546 of the KCNQ1 protein (p.Ser546Leu). This variant is not present in population databases (gnomAD no frequency). This missense change has been observed in individuals with long QT syndrome (PMID: 15466642, 15840476, 17905336, 19716085, 22456477, 22949429, 26675252, 27026747; internal data). It has also been observed to segregate with disease in related individuals. ClinVar contains an entry for this variant (Variation ID: 53000). Invitae Evidence Modeling of protein sequence and biophysical properties (such as structural, functional, and spatial information, amino acid conservation, physicochemical variation, residue mobility, and thermodynamic stability) has been performed for this missense variant. However, the output from this modeling did not meet the statistical confidence thresholds required to predict the impact of this variant on KCNQ1 protein function. Experimental studies have shown that this missense change affects KCNQ1 function (PMID: 19808498, 25037568). For these reasons, this variant has been classified as Pathogenic.

Color Diagnostics, LLC DBA Color Health
Classification: Pathogenic for Cardiac arrhythmia. Last evaluated: 2025-07-21. Review status: criteria provided, single submitter. Criteria: ACMG Guidelines, 2015. Collection method: clinical testing. Allele origin: germline.
Comment: This missense variant is located in the C-terminal cytoplasmic domain of the KCNQ1 protein that interacts with the KCNE1 protein. This variant is located within the conserved C-terminal cytoplasmic domain (a.a. 349-676) of the KCNQ1 protein. Rare non-truncating variants in this region have been shown to be significantly overrepresented in individuals with long QT syndrome (PMID: 32893267). Computational prediction suggests that this variant may have a deleterious impact on protein structure and function. Experimental studies have shown that this variant may impair the channel function and disrupt interaction with the KCNE1 protein (PMID: 19808498, 25037568). This variant has been reported in more than ten individuals affected with long QT syndrome (PMID: 15840476, 17905336, 19716085, 22456477, 22949429, 26675252, 27026747, 32383558, 39073097) and in an individual affected with sudden death (PMID: 15466642). It has been shown that this variant segregates with disease in four affected individuals in one family (PMID: 39073097). This variant has not been identified in the general population by the Genome Aggregation Database (gnomAD). Based on available evidence, this variant is classified as Pathogenic.

Victorian Clinical Genetics Services, Murdoch Childrens Research Institute
Classification: Pathogenic for Long QT syndrome 1. Last evaluated: 2025-06-24. Review status: criteria provided, single submitter. Criteria: ACMG Guidelines, 2015. Collection method: clinical testing. Allele origin: germline.
Comment: This variant is classified as Pathogenic. Evidence in support of pathogenic classification: Variant is present in gnomAD <0.01 (v4: 5 heterozygote(s), 0 homozygote(s)); This variant has strong previous evidence of pathogenicity in unrelated individuals. This variant has been classified as pathogenic/likely pathogenic by clinical laboratories in ClinVar, and reported in the literature in individuals with LQTS (PMIDs: 15466642, 17905336, 19841300, 22456477, 26675252); This variant has moderate functional evidence supporting abnormal protein function. In vitro functional analysis demonstrated that this variant results in a loss of potassium channel function (PMID: 19808498); Missense variant predicted to be damaging by in silico tool(s) or highly conserved with a major amino acid change. Additional information: Variant is predicted to result in a missense amino acid change from serine to leucine; This gene is known to be associated with both recessive and dominant disease. JLNS is characterised by congenital, bilateral deafness and variable degrees of QT prolongation, and is the only condition caused by biallelic variants (PMID: 28438721); Variant is located in the annotated KCNQ channel domain (DECIPHER, NCBI); Dominant negative, loss of function and gain of function are known mechanisms of disease in this gene. Gain of function variants result exclusively in short QT syndrome (MIM#609621), while dominant negative and loss of function variants can cause long QT syndrome (LQTS, MIM#192500), atrial fibrillation (MIM#607554) and Jervell and Lange-Nielsen syndrome (JLNS, MIM#220400) (OMIM, PMIDs: 19632626, 28438721); The condition associated with this gene has incomplete penetrance (OMIM, PMID: 20301308).

Variantyx, Inc.
Classification: Pathogenic for Long QT syndrome 1. Last evaluated: 2025-03-21. Review status: criteria provided, single submitter. Criteria: Variantyx Assertion Criteria 2022. Collection method: clinical testing. Allele origin: maternal. Inheritance: Autosomal dominant inheritance.
Comment: This is a nonsynonymous variant in the KCNQ1 gene (OMIM: 607542). Pathogenic variants in this gene have been associated with autosomal dominant long QT syndrome 1. This variant has been reported in several unrelated affected individuals (PMID: 15466642, 19808498, 22949429, 34505893, 32901917) (PS4). This variant lies within a known hotspot for pathogenic variants or a well-established critical functional domain of the KCNQ1 protein (PMID: 25037568) (PM1). Multiple computational algorithms predict a deleterious effect for this variant (REVEL score: 0.94) (PP3). Functional studies have shown that this variant impairs protein function (PMID: 19808498, 25037568) (PS3). This variant has a 0.0005% maximum allele frequency in non-founder control populations (PM2). Based on the current evidence, this variant is classified as pathogenic for autosomal dominant long QT syndrome 1.

Ambry Genetics
Classification: Pathogenic for Cardiovascular phenotype. Last evaluated: 2023-10-13. Review status: criteria provided, single submitter. Criteria: Ambry Variant Classification Scheme 2023. Collection method: clinical testing. Allele origin: germline.
Comment: The p.S546L pathogenic mutation (also known as c.1637C>T), located in coding exon 13 of the KCNQ1 gene, results from a C to T substitution at nucleotide position 1637. The serine at codon 546 is replaced by leucine, an amino acid with dissimilar properties, and is located in the C-terminal region of the protein. This alteration has been reported in multiple individuals with long QT syndrome (LQTS) (Choi G et al. Circulation 2004 Oct; 110(15):2119-24; Chung SK et al. Heart Rhythm 2007 Oct; 4(10):1306-14; Albertella L et al. Arch. Dis. Child. 2011 Aug; 96(8):704-7). Furthermore, the p.S546L variant disrupts KCNQ1 function in in vitro electrophysiological assays (Yang T et al. Circ Arrhythm Electrophysiol 2009 Aug; 2(4):417-26; Dvir M, J. Cell. Sci. 2014 Sep; 127(Pt 18):3943-55). This variant is considered to be rare based on population cohorts in the Genome Aggregation Database (gnomAD). This amino acid position is highly conserved in available vertebrate species. In addition, this alteration is predicted to be deleterious by in silico analysis. Based on the supporting evidence, this alteration is interpreted as a disease-causing mutation.

GeneDx
Classification: Pathogenic. Last evaluated: 2023-08-31. Review status: criteria provided, single submitter. Criteria: GeneDx Variant Classification Process June 2021. Collection method: clinical testing. Allele origin: germline. Affected: yes.
Comment: Not observed at significant frequency in large population cohorts (gnomAD); Functional studies suggest that p.(S546L) results in reduced IKs currents in heterologous cells (Yang et al., 2009); In silico analysis supports that this missense variant has a deleterious effect on protein structure/function; This variant is associated with the following publications: (PMID: 19841300, 26675252, 15840476, 31737537, 25037568, 15176425, 19716085, 22949429, 15466642, 27026747, 26063740, 21131640, 21185501, 22456477, 27535533, 26582918, 32383558, 17905336, 32901917, 22581653, 36505078, RidaM2023[Preprint], 34505893, 19808498)

Blueprint Genetics
Classification: Pathogenic for KCNQ1-related disorders. Last evaluated: 2023-03-20. Review status: criteria provided, single submitter. Criteria: ACMG Guidelines, 2015. Collection method: clinical testing. Allele origin: germline. Affected: yes. Observed: 5 variant alleles.

Mayo Clinic Laboratories, Mayo Clinic
Classification: Pathogenic. Last evaluated: 2023-02-10. Review status: criteria provided, single submitter. Criteria: ACMG Guidelines, 2015. Collection method: clinical testing. Allele origin: germline. Observed: 3 variant alleles.
Comment: PP3, PM2_supporting, PS3, PS4